The following is an entry in ClinVar:

ClinVar aggregate classification (germline): Uncertain significance (1 of 4 stars; one submission).

Allele frequency attached by ClinVar (database versions not stated): TOPMed below 0.00001.
gnomAD v4.1: 4 of 1,518,578 alleles (0.00026%); highest among the groups gnomAD compares: South Asian, 0.0012%; no homozygotes.

Submission:

Labcorp Genetics (formerly Invitae), Labcorp
Classification: Uncertain significance. Last evaluated: 2025-05-16. Review status: criteria provided, single submitter. Criteria: Invitae Variant Classification Sherloc (09022015). Collection method: clinical testing. Allele origin: germline.
Comment: This sequence change replaces glycine, which is neutral and non-polar, with glutamic acid, which is acidic and polar, at codon 3 of the RNF31 protein (p.Gly3Glu). This variant is not present in population databases (gnomAD no frequency). This variant has not been reported in the literature in individuals affected with RNF31-related conditions. ClinVar contains an entry for this variant (Variation ID: 2799553). An algorithm developed to predict the effect of missense changes on protein structure and function (PolyPhen-2) suggests that this variant is likely to be tolerated. In summary, the available evidence is currently insufficient to determine the role of this variant in disease. Therefore, it has been classified as a Variant of Uncertain Significance.

NM_017999.5(RNF31):c.8G>A (p.Gly3Glu)

Genes: RNF31 (ring finger protein 31; plus strand), LOC121468009 (Sharpr-MPRA regulatory region 11827; plus strand). Cytogenetic location: 14q12.
Variant type: single nucleotide variant.
Coding change: c.8G>A on transcript NM_017999.5 (MANE Select); coding-DNA position 8, G replaced by A.
Protein change: p.Gly3Glu; replaces glycine 3 with glutamic acid.
Molecular consequence: missense variant. On other transcripts: intron variant (1).
Genome position (GRCh38, 1-based): chr14:24,147,706, G>A. VCF-style: chr14-24147706-G-A. GRCh37 (hg19) VCF-style: chr14-24616915-G-A.
Other names: c.-325-270G>A (NM_001310332.2); short protein forms G3E.
Identifiers: ClinVar variation 2799553 (VCV002799553.3), dbSNP rs1358206456, ClinGen allele CA389283293.